The following is an entry in ClinVar:

ClinVar aggregate classification (germline): Pathogenic (1 of 4 stars; one submission).

Conditions:
Intellectual developmental disorder with speech delay, autism, and dysmorphic facies. Identifiers: MedGen C5231456, MONDO:0032864, OMIM 618672.

Submission:

Broad Center for Mendelian Genomics, Broad Institute of MIT and Harvard
Classification: Pathogenic for Intellectual developmental disorder with speech delay, autism, and dysmorphic facies. Last evaluated: 2023-08-24. Review status: criteria provided, single submitter. Criteria: ACMG/ClinGen CNV Guidelines, 2019. Collection method: research. Allele origin: de novo. Inheritance: Autosomal dominant inheritance. Affected: yes.
Comment: These breakpoints have been estimated by exome sequencing only and therefore may not reflect the true breakpoints. The patient phenotype is nonspecific, but is consistent with cases described in the literature and/or published databases with overlapping variants. There is overlap with the 3’ end of the CNOT3 gene including coding sequence. This alteration is then predicted to lead to a truncated or absent protein. The CNOT3 gene has been evaluated by the ClinGen dosage sensitivity working group but did not meet the burden of evidence to support haploinsufficiency. However, truncating variants in CNOT3 have been more recently reported in eight individuals in the literature with neurodevelopmental phenotypes (PMID: 31201375). In summary, this variant meets criteria to be classified as pathogenic for autosomal dominant intellectual developmental disorder. The ACMG/ClinGen evidence codes and points used in this curation are as follows: 1: 0 points, 2: 0 points, 4-5: 1.05 points; Total: 1.05 points; Riggs 2020 (PMID: 31690835)

Literature cited by the submitters: PubMed 31201375.

GRCh38/hg38 19q13.42(chr19:54152129-54161358)x1

Genes: CNOT3 (CCR4-NOT transcription complex subunit 3; plus strand), LENG1 (leukocyte receptor cluster member 1; minus strand), TMC4 (transmembrane channel like 4; minus strand). Cytogenetic location: 19q13.42.
Variant type: copy number loss.
Change: copy number 1 (one copy instead of two) of chr19:54,152,129-54,161,358 (9.2 kb, GRCh38 coordinates, 1-based), cytogenetic band 19q13.42.
Identifiers: ClinVar variation 2579182 (VCV002579182.1).